The following is an entry in ClinVar:

ClinVar aggregate classification (germline): Uncertain significance (1 of 4 stars; one submission).

gnomAD v4.1: 1 of 1,613,136 alleles (0.000062%); highest among the groups gnomAD compares: Non-Finnish European, 0.000085%; no homozygotes.

Submission:

Athena Diagnostics
Classification: Uncertain significance. Last evaluated: 2024-11-06. Review status: criteria provided, single submitter. Criteria: Athena Diagnostics Criteria. Collection method: clinical testing. Allele origin: unknown.
Comment: Available data are insufficient to determine the clinical significance of the variant at this time. This variant has not been reported in large, multi-ethnic general populations. Polyphen and MutationTaster predict this amino acid change may be benign.

NM_001267550.2(TTN):c.19055G>A (p.Arg6352Lys)

Gene: TTN (titin; minus strand). Cytogenetic location: 2q31.2.
Variant type: single nucleotide variant.
Coding change: c.19055G>A on transcript NM_001267550.2 (MANE Select); coding-DNA position 19055, G replaced by A.
Protein change: p.Arg6352Lys; replaces arginine 6352 with lysine.
Molecular consequence: missense variant. On other transcripts: intron variant (3).
Genome position (GRCh38, 1-based): chr2:178,728,983, C>T on the plus strand (G>A on the coding strand, the complement: TTN is on the minus strand). VCF-style: chr2-178728983-C-T. GRCh37 (hg19) VCF-style: chr2-179593710-C-T.
Other names: c.18104G>A, p.Arg6035Lys (NM_001256850.1); c.15323G>A, p.Arg5108Lys (NM_133378.4); c.13282+9099G>A (NM_003319.4); c.13858+9099G>A (NM_133437.4); c.13657+9099G>A (NM_133432.3); short protein forms R6352K, R5108K, R6035K.
Identifiers: ClinVar variation 3571726 (VCV003571726.1).